The following is an entry in ClinVar:

NM_004795.4(KL):c.1321A>C (p.Thr441Pro)

Gene: KL (klotho; plus strand). Cytogenetic location: 13q13.1.
Variant type: single nucleotide variant.
Coding change: c.1321A>C on transcript NM_004795.4 (MANE Select); coding-DNA position 1321, A replaced by C.
Protein change: p.Thr441Pro; replaces threonine 441 with proline.
Molecular consequence: missense variant.
Genome position (GRCh38, 1-based): chr13:33,054,268, A>C. VCF-style: chr13-33054268-A-C. GRCh37 (hg19) VCF-style: chr13-33628405-A-C.
Other names: short protein forms T441P.
Identifiers: ClinVar variation 3719867 (VCV003719867.2).

ClinVar aggregate classification (germline): Uncertain significance (1 of 4 stars; one submission).

Submission:

Labcorp Genetics (formerly Invitae), Labcorp
Classification: Uncertain significance. Last evaluated: 2024-12-03. Review status: criteria provided, single submitter. Criteria: Invitae Variant Classification Sherloc (09022015). Collection method: clinical testing. Allele origin: germline.
Comment: This sequence change replaces threonine, which is neutral and polar, with proline, which is neutral and non-polar, at codon 441 of the KL protein (p.Thr441Pro). This variant is not present in population databases (gnomAD no frequency). This variant has not been reported in the literature in individuals affected with KL-related conditions. Invitae Evidence Modeling of protein sequence and biophysical properties (such as structural, functional, and spatial information, amino acid conservation, physicochemical variation, residue mobility, and thermodynamic stability) has been performed for this missense variant. However, the output from this modeling did not meet the statistical confidence thresholds required to predict the impact of this variant on KL protein function. In summary, the available evidence is currently insufficient to determine the role of this variant in disease. Therefore, it has been classified as a Variant of Uncertain Significance.